The following is an entry in ClinVar:

ClinVar aggregate classification (germline): Uncertain significance. Review status: criteria provided, multiple submitters, no conflicts (2 of 4 stars). 2 submissions from 2 submitters: Uncertain significance (2). Last evaluated 2025-03-31.

Allele frequency attached by ClinVar (database versions not stated): TOPMed 0.00006; ExAC 0.00003; ESP Exome Variant Server 0.00008; gnomAD 0.00002; gnomAD exomes 0.00003.
gnomAD v4.1: 50 of 1,614,116 alleles (0.0031%); highest among the groups gnomAD compares: East Asian, 0.0045%; no homozygotes.

Submissions (2):

Labcorp Genetics (formerly Invitae), Labcorp
Classification: Uncertain significance. Last evaluated: 2025-03-31. Review status: criteria provided, single submitter. Criteria: Invitae Variant Classification Sherloc (09022015). Collection method: clinical testing. Allele origin: germline.
Comment: This sequence change replaces arginine, which is basic and polar, with cysteine, which is neutral and slightly polar, at codon 2510 of the FBN3 protein (p.Arg2510Cys). This variant is present in population databases (rs375723933, gnomAD 0.01%). This variant has not been reported in the literature in individuals affected with FBN3-related conditions. ClinVar contains an entry for this variant (Variation ID: 2975946). Invitae Evidence Modeling of protein sequence and biophysical properties (such as structural, functional, and spatial information, amino acid conservation, physicochemical variation, residue mobility, and thermodynamic stability) indicates that this missense variant is not expected to disrupt FBN3 protein function with a negative predictive value of 80%. In summary, the available evidence is currently insufficient to determine the role of this variant in disease. Therefore, it has been classified as a Variant of Uncertain Significance.

Ambry Genetics
Classification: Uncertain significance. Last evaluated: 2024-11-09. Review status: criteria provided, single submitter. Criteria: Ambry Variant Classification Scheme 2023. Collection method: clinical testing. Allele origin: germline.

NM_032447.5(FBN3):c.7528C>T (p.Arg2510Cys)

Gene: FBN3 (fibrillin 3; minus strand). Cytogenetic location: 19p13.2.
Variant type: single nucleotide variant.
Coding change: c.7528C>T on transcript NM_032447.5 (MANE Select); coding-DNA position 7528, C replaced by T.
Protein change: p.Arg2510Cys; replaces arginine 2510 with cysteine.
Molecular consequence: missense variant.
Genome position (GRCh38, 1-based): chr19:8,075,337, G>A on the plus strand (C>T on the coding strand, the complement: FBN3 is on the minus strand). VCF-style: chr19-8075337-G-A. GRCh37 (hg19) VCF-style: chr19-8140221-G-A.
Other names: c.7528C>T (NM_032447.3); c.7528C>T, p.Arg2510Cys (NM_001321431.2); short protein forms R2510C.
Identifiers: ClinVar variation 2975946 (VCV002975946.4), dbSNP rs375723933, ClinGen allele CA9150841.